The following is an entry in ClinVar:

ClinVar aggregate classification (germline): Pathogenic. Review status: criteria provided, multiple submitters, no conflicts (2 of 4 stars). 2 submissions from 2 submitters: Pathogenic (2). Last evaluated 2023-10-04.

Conditions:
Hereditary nonpolyposis colorectal neoplasms. Identifiers: MedGen C0009405, MeSH D003123.
Lynch syndrome 5 (LYNCH5). Also called: Colorectal cancer, hereditary nonpolyposis, type 5; Hereditary non-polyposis colorectal cancer, type 5. Identifiers: Orphanet 144, MedGen C1833477, MONDO:0013710, OMIM 614350. Disease mechanism: loss of function.

Submissions (2):

Labcorp Genetics (formerly Invitae), Labcorp
Classification: Pathogenic for Hereditary nonpolyposis colorectal neoplasms. Last evaluated: 2023-10-04. Review status: criteria provided, single submitter. Criteria: Invitae Variant Classification Sherloc (09022015). Collection method: clinical testing. Allele origin: germline.
Comment: This sequence change creates a premature translational stop signal (p.Glu980Lysfs*17) in the MSH6 gene. It is expected to result in an absent or disrupted protein product. Loss-of-function variants in MSH6 are known to be pathogenic (PMID: 18269114, 24362816). This variant is not present in population databases (gnomAD no frequency). This variant has not been reported in the literature in individuals affected with MSH6-related conditions. ClinVar contains an entry for this variant (Variation ID: 1453589). For these reasons, this variant has been classified as Pathogenic.

Myriad Genetics, Inc.
Classification: Pathogenic for Lynch syndrome 5. Last evaluated: 2023-08-21. Review status: criteria provided, single submitter. Criteria: Myriad Autosomal Dominant, Autosomal Recessive and X-Linked Classification Criteria (2023). Collection method: clinical testing. Allele origin: unknown.
Comment: This variant is considered pathogenic. This variant creates a frameshift predicted to result in premature protein truncation.

Literature cited by the submitters: PubMed 18269114 (cited by Labcorp Genetics (formerly Invitae), Labcorp); PubMed 24362816 (cited by Labcorp Genetics (formerly Invitae), Labcorp).

NM_000179.3(MSH6):c.2938del (p.Glu980fs)

Gene: MSH6 (mutS homolog 6; plus strand). Cytogenetic location: 2p16.3.
Variant type: Deletion.
Coding change: c.2938del on transcript NM_000179.3 (MANE Select); coding-DNA position 2938, one base deleted (G; older notation c.2938delG).
Protein change: p.Glu980fs; shifts the reading frame from glutamic acid 980.
Molecular consequence: frameshift variant.
Genome position (GRCh38, 1-based): chr2:47,800,921, G deleted; the last of 2 consecutive G bases (chr2:47,800,920-47,800,921); deleting either gives the same sequence. VCF-style (leftmost placement, unchanged base first): chr2-47800919-TG-T. GRCh37 (hg19) VCF-style: chr2-48028058-TG-T.
Other names: c.2548del, p.Glu850fs (NM_001281492.2); c.2032del, p.Glu678fs (NM_001281493.2, NM_001281494.2); short protein forms E980fs, E678fs, E850fs.
Identifiers: ClinVar variation 1453589 (VCV001453589.7), dbSNP rs2104431813, ClinGen allele CA2573135018.